The following is an entry in ClinVar:

NM_020975.6(RET):c.2284+54C>T

Gene: RET (ret proto-oncogene; plus strand). Cytogenetic location: 10q11.21.
Variant type: single nucleotide variant.
Coding change: c.2284+54C>T on transcript NM_020975.6 (MANE Select); 54 bases into the intron after coding-DNA position 2284, C replaced by T.
Molecular consequence: intron variant.
Genome position (GRCh38, 1-based): chr10:43,116,785, C>T. VCF-style: chr10-43116785-C-T. GRCh37 (hg19) VCF-style: chr10-43612233-C-T.
Other names: c.2284+54C>T (NM_020630.7, NM_001406743.1, NM_001406744.1 and 2 more transcripts); c.2149+54C>T (NM_001406765.1, NM_001406763.1); c.1888+54C>T (NM_001406772.1, NM_001406769.1); c.1846+54C>T (NM_001406773.1, NM_001406771.1); c.1387+54C>T (NM_001406782.1, NM_001406780.1, NM_001406779.1 and 1 more transcripts); c.1252+54C>T (NM_001406787.1); c.1267+54C>T (NM_001406785.1); c.2155+54C>T (NM_001406764.1, NM_001406762.1, NM_001406761.1); and 10 more.
Identifiers: ClinVar variation 3037075 (VCV003037075.2), dbSNP rs566375223, ClinGen allele CA206263797.

ClinVar aggregate classification (germline): Likely benign (0 of 4 stars; one submission).

Conditions:
RET-related disorder. Also called: RET-related disorders; RET-related condition; RET-related disease.

Allele frequency attached by ClinVar (database versions not stated): 1000 Genomes Project 0.00020.

Submission:

PreventionGenetics, part of Exact Sciences
Classification: Likely benign for RET-related condition. Last evaluated: 2021-11-17. Review status: no assertion criteria provided. Collection method: clinical testing. Allele origin: germline.
Comment: This variant is classified as likely benign based on ACMG/AMP sequence variant interpretation guidelines (Richards et al. 2015 PMID: 25741868, with internal and published modifications).